The following is an entry in ClinVar:

NM_033380.3(COL4A5):c.4641C>A (p.Thr1547=)

Gene: COL4A5 (collagen type IV alpha 5 chain; plus strand). Cytogenetic location: Xq22.3.
Variant type: single nucleotide variant.
Coding change: c.4641C>A on transcript NM_033380.3 (MANE Select); coding-DNA position 4641, C replaced by A.
Protein change: p.Thr1547=; no amino-acid change (threonine 1547 retained).
Molecular consequence: synonymous variant.
Genome position (GRCh38, 1-based): chrX:108,692,860, C>A. VCF-style: chrX-108692860-C-A. GRCh37 (hg19) VCF-style: chrX-107936090-C-A.
Other names: c.4623C>A (NM_000495.4); c.4623C>A, p.Thr1541= (NM_000495.5).
Identifiers: ClinVar variation 1108721 (VCV001108721.10), dbSNP rs747105248, ClinGen allele CA10489392.

ClinVar aggregate classification (germline): Likely benign. Review status: criteria provided, multiple submitters, no conflicts (2 of 4 stars). 2 submissions from 2 submitters: Likely benign (2). Last evaluated 2025-09-04.

Conditions:
COL4A5-related disorder. Also called: COL4A5-related condition.

Allele frequency attached by ClinVar (database versions not stated): ExAC 0.00001; gnomAD exomes 0.00001.
gnomAD v4.1: 9 of 1,210,295 alleles (0.00074%); highest among the groups gnomAD compares: Non-Finnish European, 0.001%; no homozygotes.

Submissions (2):

PreventionGenetics, part of Exact Sciences
Classification: Likely benign for COL4A5-related condition. Last evaluated: 2025-09-04. Review status: criteria provided, single submitter. Criteria: ACMG Guidelines, 2015. Collection method: clinical testing. Allele origin: germline.
Comment: This variant is classified as likely benign based on ACMG/AMP sequence variant interpretation guidelines (Richards et al. 2015 PMID: 25741868, with internal and published modifications).

Labcorp Genetics (formerly Invitae), Labcorp
Classification: Likely benign. Last evaluated: 2019-12-02. Review status: criteria provided, single submitter. Criteria: Invitae Variant Classification Sherloc (09022015). Collection method: clinical testing. Allele origin: germline.